The following is an entry in ClinVar:

NM_005076.5(CNTN2):c.184C>T (p.Arg62Cys)

Gene: CNTN2 (contactin 2; plus strand). Cytogenetic location: 1q32.1.
Variant type: single nucleotide variant.
Coding change: c.184C>T on transcript NM_005076.5 (MANE Select); coding-DNA position 184, C replaced by T.
Protein change: p.Arg62Cys; replaces arginine 62 with cysteine.
Molecular consequence: missense variant. On other transcripts: non-coding transcript variant (1).
Genome position (GRCh38, 1-based): chr1:205,058,034, C>T. VCF-style: chr1-205058034-C-T. GRCh37 (hg19) VCF-style: chr1-205027162-C-T.
Other names: c.184C>T, p.Arg62Cys (NM_001346083.2); short protein forms R62C.
Identifiers: ClinVar variation 571442 (VCV000571442.8), dbSNP rs763492479, ClinGen allele CA36428376.

ClinVar aggregate classification (germline): Uncertain significance (1 of 4 stars; one submission).

Conditions:
Epilepsy, familial adult myoclonic, 5 (EPEO5). Also called: CORTICAL MYOCLONIC TREMOR WITH EPILEPSY, FAMILIAL, 5. Identifiers: Orphanet 86814, MedGen C3809374, MONDO:0014167, OMIM 615400.

Allele frequency attached by ClinVar (database versions not stated): gnomAD 0.00001; TOPMed 0.00002.
gnomAD v4.1: 8 of 1,613,404 alleles (0.0005%); highest among the groups gnomAD compares: African/African-American, 0.0013%; no homozygotes.

Submission:

Labcorp Genetics (formerly Invitae), Labcorp
Classification: Uncertain significance for Epilepsy, familial adult myoclonic, 5. Last evaluated: 2018-06-06. Review status: criteria provided, single submitter. Criteria: Invitae Variant Classification Sherloc (09022015). Collection method: clinical testing. Allele origin: germline.
Comment: Algorithms developed to predict the effect of missense changes on protein structure and function (SIFT, PolyPhen-2, Align-GVGD) all suggest that this variant is likely to be disruptive, but these predictions have not been confirmed by published functional studies and their clinical significance is uncertain. In summary, the available evidence is currently insufficient to determine the role of this variant in disease. Therefore, it has been classified as a Variant of Uncertain Significance. This variant has not been reported in the literature in individuals with CNTN2-related disease. This variant is not present in population databases (ExAC no frequency). This sequence change replaces arginine with cysteine at codon 62 of the CNTN2 protein (p.Arg62Cys). The arginine residue is highly conserved and there is a large physicochemical difference between arginine and cysteine.